The following is an entry in ClinVar:

NM_000051.4(ATM):c.6678A>G (p.Leu2226=)

Genes: ATM (ATM serine/threonine kinase; plus strand), C11orf65 (chromosome 11 open reading frame 65; minus strand). Cytogenetic location: 11q22.3.
Variant type: single nucleotide variant.
Coding change: c.6678A>G on transcript NM_000051.4 (MANE Select); coding-DNA position 6678, A replaced by G.
Protein change: p.Leu2226=; no amino-acid change (leucine 2226 retained).
Molecular consequence: synonymous variant. On other transcripts: intron variant (2).
Genome position (GRCh38, 1-based): chr11:108,325,415, A>G. VCF-style: chr11-108325415-A-G. GRCh37 (hg19) VCF-style: chr11-108196142-A-G.
Other names: c.6678A>G, p.Leu2226= (NM_001351834.2); c.641-16344T>C (NM_001330368.2); c.*38+9805T>C (NM_001351110.2).
Identifiers: ClinVar variation 185367 (VCV000185367.57), dbSNP rs772173373, ClinGen allele CA191742.

ClinVar aggregate classification (germline): Benign/Likely benign. Review status: criteria provided, multiple submitters, no conflicts (2 of 4 stars). 6 submissions from 6 submitters: Benign (1); Likely benign (5). Last evaluated 2026-01-28.

Conditions:
Hereditary cancer-predisposing syndrome. Also called: Hereditary Cancer Syndrome; Tumor predisposition; Neoplastic Syndromes, Hereditary; Hereditary neoplastic syndrome. Identifiers: Orphanet 140162, MedGen C0027672, MeSH D009386, MONDO:0015356.
Familial cancer of breast. Also called: hereditary breast carcinoma; BREAST CANCER, FAMILIAL; Hereditary breast cancer. Identifiers: Orphanet 227535, MedGen C0346153, MONDO:0016419, OMIM 114480. Disease mechanism: loss of function.
Ataxia-telangiectasia syndrome (AT). Also called: ATAXIA-TELANGIECTASIA, COMPLEMENTATION GROUP A; ATAXIA-TELANGIECTASIA, FRESNO VARIANT; Ataxia-telangiectasia; Ataxia-telangiectasia, complementation group E; Cerebello-oculocutaneous telangiectasia; Immunodeficiency with ataxia telangiectasia. Identifiers: Orphanet 100, MedGen C0004135, MONDO:0008840, OMIM 208900.

Allele frequency attached by ClinVar (database versions not stated): gnomAD exomes 0.00002 and 0.00001; gnomAD 0.00003; ExAC 0.00002; TOPMed below 0.00001.
gnomAD v4.1: 8 of 1,613,850 alleles (0.0005%); highest among the groups gnomAD compares: East Asian, 0.016%; no homozygotes.

Submissions (6):

Labcorp Genetics (formerly Invitae), Labcorp
Classification: Likely benign for Ataxia-telangiectasia syndrome. Last evaluated: 2026-01-28. Review status: criteria provided, single submitter. Criteria: Invitae Variant Classification Sherloc (09022015). Collection method: clinical testing. Allele origin: germline.

Women's Health and Genetics/Laboratory Corporation of America, LabCorp
Classification: Likely benign. Last evaluated: 2024-09-09. Review status: criteria provided, single submitter. Criteria: LabCorp Variant Classification Summary - May 2015. Collection method: clinical testing. Allele origin: germline.

Myriad Genetics, Inc.
Classification: Benign for Familial cancer of breast. Last evaluated: 2024-06-10. Review status: criteria provided, single submitter. Criteria: Myriad Autosomal Dominant, Autosomal Recessive and X-Linked Classification Criteria (2023). Collection method: clinical testing. Allele origin: unknown.
Comment: This variant is considered benign. This variant is a silent/synonymous amino acid change and it is not expected to impact splicing.

GeneDx
Classification: Likely benign. Last evaluated: 2017-04-20. Review status: criteria provided, single submitter. Criteria: GeneDx Variant Classification (06012015). Collection method: clinical testing. Allele origin: germline. Affected: yes.
Comment: This variant is considered likely benign or benign based on one or more of the following criteria: it is a conservative change, it occurs at a poorly conserved position in the protein, it is predicted to be benign by multiple in silico algorithms, and/or has population frequency not consistent with disease.

Color Diagnostics, LLC DBA Color Health
Classification: Likely benign for Hereditary cancer-predisposing syndrome. Last evaluated: 2017-01-22. Review status: criteria provided, single submitter. Criteria: ACMG Guidelines, 2015. Collection method: clinical testing. Allele origin: germline.

Ambry Genetics
Classification: Likely benign for Hereditary cancer-predisposing syndrome. Last evaluated: 2014-07-08. Review status: criteria provided, single submitter. Criteria: Ambry Variant Classification Scheme 2023. Collection method: clinical testing. Allele origin: germline.